The following is an entry in ClinVar:

ClinVar aggregate classification (germline): Uncertain significance (0 of 4 stars; one submission).

Conditions:
MAGEL2-related disorder. Also called: MAGEL2-related condition.

Submission:

PreventionGenetics, part of Exact Sciences
Classification: Uncertain significance for MAGEL2-related condition. Last evaluated: 2024-07-30. Review status: no assertion criteria provided. Collection method: clinical testing. Allele origin: germline.
Comment: The MAGEL2 c.686T>C variant is predicted to result in the amino acid substitution p.Met229Thr. To our knowledge, this variant has not been reported in the literature or in a large population database, indicating this variant is rare. At this time, the clinical significance of this variant is uncertain due to the absence of conclusive functional and genetic evidence.

NM_019066.5(MAGEL2):c.686T>C (p.Met229Thr)

Gene: MAGEL2 (MAGE family member L2; minus strand). Cytogenetic location: 15q11.2.
Variant type: single nucleotide variant.
Coding change: c.686T>C on transcript NM_019066.5 (MANE Select); coding-DNA position 686, T replaced by C.
Protein change: p.Met229Thr; replaces methionine 229 with threonine.
Molecular consequence: missense variant.
Genome position (GRCh38, 1-based): chr15:23,647,057, A>G on the plus strand (T>C on the coding strand, the complement: MAGEL2 is on the minus strand). VCF-style: chr15-23647057-A-G. GRCh37 (hg19) VCF-style: chr15-23892204-A-G.
Other names: short protein forms M229T.
Identifiers: ClinVar variation 3346369 (VCV003346369.1).